The following is an entry in ClinVar:

NM_004370.6(COL12A1):c.4279C>A (p.Arg1427Ser)

Gene: COL12A1 (collagen type XII alpha 1 chain; minus strand). Cytogenetic location: 6q13.
Variant type: single nucleotide variant.
Coding change: c.4279C>A on transcript NM_004370.6 (MANE Select); coding-DNA position 4279, C replaced by A.
Protein change: p.Arg1427Ser; replaces arginine 1427 with serine.
Molecular consequence: missense variant.
Genome position (GRCh38, 1-based): chr6:75,148,366, G>T on the plus strand (C>A on the coding strand, the complement: COL12A1 is on the minus strand). VCF-style: chr6-75148366-G-T. GRCh37 (hg19) VCF-style: chr6-75858082-G-T.
Other names: c.787C>A, p.Arg263Ser (NM_080645.3); short protein forms R1427S, R263S.
Identifiers: ClinVar variation 1407998 (VCV001407998.6), dbSNP rs779038394, ClinGen allele CA364745103.

ClinVar aggregate classification (germline): Uncertain significance (1 of 4 stars; one submission).

Conditions:
Bethlem myopathy 2 (BTHLM2). Identifiers: Orphanet 536516, Orphanet 610, MedGen C4225313, MONDO:0034022, OMIM 616471.
Ullrich congenital muscular dystrophy 2 (UCMD2). Identifiers: Orphanet 75840, MedGen C4225314, MONDO:0014654, OMIM 616470.

gnomAD v4.1: 1 of 1,612,194 alleles (0.000062%); no homozygotes.

Submission:

Labcorp Genetics (formerly Invitae), Labcorp
Classification: Uncertain significance for Bethlem myopathy 2; Ullrich congenital muscular dystrophy 2. Last evaluated: 2022-09-01. Review status: criteria provided, single submitter. Criteria: Invitae Variant Classification Sherloc (09022015). Collection method: clinical testing. Allele origin: germline.
Comment: This sequence change replaces arginine, which is basic and polar, with serine, which is neutral and polar, at codon 1427 of the COL12A1 protein (p.Arg1427Ser). In summary, the available evidence is currently insufficient to determine the role of this variant in disease. Therefore, it has been classified as a Variant of Uncertain Significance. Algorithms developed to predict the effect of missense changes on protein structure and function (SIFT, PolyPhen-2, Align-GVGD) all suggest that this variant is likely to be tolerated. ClinVar contains an entry for this variant (Variation ID: 1407998). This variant has not been reported in the literature in individuals affected with COL12A1-related conditions. This variant is present in population databases (no rsID available, gnomAD 0.005%).